The following is an entry in ClinVar:

ClinVar aggregate classification (germline): Likely benign. Review status: criteria provided, single submitter (1 of 4 stars). 2 submissions from 2 submitters: Likely benign (1). 1 of the submissions does not count toward it. Last evaluated 2025-07-23.

Conditions:
MEIS2-related disorder.
Cardiac malformation, cleft lip/palate, microcephaly, and digital anomalies. Also called: CLEFT PALATE, CARDIAC DEFECTS, AND IMPAIRED INTELLECTUAL DEVELOPMENT. Identifiers: MedGen C1832950, MONDO:0010970, OMIM 600987.

Allele frequency attached by ClinVar (database versions not stated): gnomAD exomes 0.00001; ExAC 0.00004; TOPMed 0.00014; ESP Exome Variant Server 0.00015; 1000 Genomes Project 30x 0.00016; gnomAD 0.00016; 1000 Genomes Project 0.00020.
gnomAD v4.1: 43 of 1,613,780 alleles (0.0027%); highest among the groups gnomAD compares: African/African-American, 0.048%; no homozygotes.

Submissions (2):

Labcorp Genetics (formerly Invitae), Labcorp
Classification: Likely benign for Cardiac malformation, cleft lip/palate, microcephaly, and digital anomalies. Last evaluated: 2025-07-23. Review status: criteria provided, single submitter. Criteria: Invitae Variant Classification Sherloc (09022015). Collection method: clinical testing. Allele origin: germline.

PreventionGenetics, part of Exact Sciences
Classification: Likely benign for MEIS2-related condition. Last evaluated: 2024-04-15. Review status: no assertion criteria provided. Collection method: clinical testing. Allele origin: germline. Not counted in ClinVar's aggregate classification.
Comment: This variant is classified as likely benign based on ACMG/AMP sequence variant interpretation guidelines (Richards et al. 2015 PMID: 25741868, with internal and published modifications).

NM_170675.5(MEIS2):c.153C>T (p.Tyr51=)

Gene: MEIS2 (Meis homeobox 2; minus strand). Cytogenetic location: 15q14.
Variant type: single nucleotide variant.
Coding change: c.153C>T on transcript NM_170675.5 (MANE Select); coding-DNA position 153, C replaced by T.
Protein change: p.Tyr51=; no amino-acid change (tyrosine 51 retained).
Molecular consequence: synonymous variant. On other transcripts: 5 prime UTR variant (1), non-coding transcript variant (1).
Genome position (GRCh38, 1-based): chr15:37,098,059, G>A on the plus strand (C>T on the coding strand, the complement: MEIS2 is on the minus strand). VCF-style: chr15-37098059-G-A. GRCh37 (hg19) VCF-style: chr15-37390260-G-A.
Other names: c.153C>T, p.Tyr51= (NM_001220482.2, NM_170674.5, NM_170676.5 and 1 more transcripts); c.114C>T, p.Tyr38= (NM_002399.4, NM_172315.3); c.-89C>T (NM_172316.3).
Identifiers: ClinVar variation 3049240 (VCV003049240.3), dbSNP rs140890748, ClinGen allele CA7469467.
Genomic context (GRCh38, chr15:37,098,059, plus strand): 5'-GTCGTTGACAGCGGATCCCATACTGGCCGGCATGACATTGGGGTGCGGGGCGTGCGCGCC[G>A]TAGTGCTGTGTGGCGTGGAGCGGCGGCCCGTGGTTCAGGTGGTGAACCGGGGGGATCGGC-3'
Protein context (NP_733775.1, residues 41-61): HGPPLHATQH[Tyr51=]GAHAPHPNVM